The following is an entry in ClinVar:

ClinVar aggregate classification (germline): Uncertain significance. Review status: criteria provided, multiple submitters, no conflicts (2 of 4 stars). 3 submissions from 3 submitters: Uncertain significance (3). Last evaluated 2025-07-31.

Conditions:
Inborn genetic diseases. Identifiers: MedGen C0950123, MeSH D030342.
Finnish type amyloidosis. Also called: Amyloidosis, familial, Finnish type; Meretoja type amyloidosis; Amyloidosis 5; Lattice corneal dystrophy associated with familial systemic amyloidosis; Meretoja's syndrome; Lattice dystrophy of the cornea with hereditary generalized amyloidosis. Identifiers: Orphanet 85448, MedGen C1622345, MONDO:0007097, OMIM 105120.

Allele frequency attached by ClinVar (database versions not stated): gnomAD 0.00001; TOPMed 0.00003.
gnomAD v4.1: 7 of 1,614,034 alleles (0.00043%); highest among the groups gnomAD compares: East Asian, 0.0022%; no homozygotes.

Submissions (3):

Ambry Genetics
Classification: Uncertain significance for Inborn genetic diseases. Last evaluated: 2025-07-31. Review status: criteria provided, single submitter. Criteria: Ambry Variant Classification Scheme 2023. Collection method: clinical testing. Allele origin: germline.

Fulgent Genetics
Classification: Uncertain significance for Finnish type amyloidosis. Last evaluated: 2024-04-08. Review status: criteria provided, single submitter. Criteria: ACMG Guidelines, 2015. Collection method: clinical testing. Allele origin: germline.

Labcorp Genetics (formerly Invitae), Labcorp
Classification: Uncertain significance. Last evaluated: 2023-08-27. Review status: criteria provided, single submitter. Criteria: Invitae Variant Classification Sherloc (09022015). Collection method: clinical testing. Allele origin: germline.
Comment: This variant disrupts the p.Asn211 amino acid residue in GSN. Other variant(s) that disrupt this residue have been determined to be pathogenic (PMID: 24601799, 27633054, 28139293). This suggests that this residue is clinically significant, and that variants that disrupt this residue are likely to be disease-causing. In summary, the available evidence is currently insufficient to determine the role of this variant in disease. Therefore, it has been classified as a Variant of Uncertain Significance. Advanced modeling of protein sequence and biophysical properties (such as structural, functional, and spatial information, amino acid conservation, physicochemical variation, residue mobility, and thermodynamic stability) performed at Invitae indicates that this missense variant is not expected to disrupt GSN protein function. This variant has not been reported in the literature in individuals affected with GSN-related conditions. This variant is present in population databases (no rsID available, gnomAD 0.004%). This sequence change replaces asparagine, which is neutral and polar, with serine, which is neutral and polar, at codon 211 of the GSN protein (p.Asn211Ser).

Literature cited by the submitters: PubMed 24601799 (cited by Labcorp Genetics (formerly Invitae), Labcorp); PubMed 27633054 (cited by Labcorp Genetics (formerly Invitae), Labcorp); PubMed 28139293 (cited by Labcorp Genetics (formerly Invitae), Labcorp).

NM_198252.3(GSN):c.479A>G (p.Asn160Ser)

Gene: GSN (gelsolin; plus strand). Cytogenetic location: 9q33.2.
Variant type: single nucleotide variant.
Coding change: c.479A>G on transcript NM_198252.3 (MANE Select); coding-DNA position 479, A replaced by G.
Protein change: p.Asn160Ser; replaces asparagine 160 with serine.
Molecular consequence: missense variant. On other transcripts: 5 prime UTR variant (1).
Genome position (GRCh38, 1-based): chr9:121,310,811, A>G. VCF-style: chr9-121310811-A-G. GRCh37 (hg19) VCF-style: chr9-124073089-A-G.
Other names: c.632A>G (NM_000177.4); c.632A>G, p.Asn211Ser (NM_000177.5); c.479A>G, p.Asn160Ser (NM_001127662.2, NM_001127664.2, NM_001127665.2 and 10 more transcripts); c.587A>G, p.Asn196Ser (NM_001127663.2); c.512A>G, p.Asn171Ser (NM_001127666.2, NM_001127667.2, NM_001353063.2 and 13 more transcripts); c.530A>G, p.Asn177Ser (NM_001258029.2); c.503A>G, p.Asn168Ser (NM_001258030.2); c.551A>G, p.Asn184Ser (NM_001353076.2); and 1 more; short protein forms N160S, N196S, N171S, N211S, N177S, N168S, N184S.
Identifiers: ClinVar variation 2975621 (VCV002975621.5), dbSNP rs770494341, ClinGen allele CA374739225.